The following is an entry in ClinVar:

NM_001853.4(COL9A3):c.1027G>A (p.Gly343Arg)

Gene: COL9A3 (collagen type IX alpha 3 chain; plus strand). Cytogenetic location: 20q13.33.
Variant type: single nucleotide variant.
Coding change: c.1027G>A on transcript NM_001853.4 (MANE Select); coding-DNA position 1027, G replaced by A.
Protein change: p.Gly343Arg; replaces glycine 343 with arginine.
Molecular consequence: missense variant.
Genome position (GRCh38, 1-based): chr20:62,829,473, G>A. VCF-style: chr20-62829473-G-A. GRCh37 (hg19) VCF-style: chr20-61460825-G-A.
Other names: short protein forms G343R.
Identifiers: ClinVar variation 1375340 (VCV001375340.6), dbSNP rs2147215290, ClinGen allele CA409593285.

ClinVar aggregate classification (germline): Uncertain significance (1 of 4 stars; one submission).

Allele frequency attached by ClinVar (database versions not stated): gnomAD exomes below 0.00001.
gnomAD v4.1: 1 of 1,612,870 alleles (0.000062%); highest among the groups gnomAD compares: Non-Finnish European, 0.000085%; no homozygotes.

Submission:

Labcorp Genetics (formerly Invitae), Labcorp
Classification: Uncertain significance. Last evaluated: 2024-11-05. Review status: criteria provided, single submitter. Criteria: Invitae Variant Classification Sherloc (09022015). Collection method: clinical testing. Allele origin: germline.
Comment: This sequence change replaces glycine, which is neutral and non-polar, with arginine, which is basic and polar, at codon 343 of the COL9A3 protein (p.Gly343Arg). This variant is not present in population databases (gnomAD no frequency). This variant has not been reported in the literature in individuals affected with COL9A3-related conditions. ClinVar contains an entry for this variant (Variation ID: 1375340). Invitae Evidence Modeling of protein sequence and biophysical properties (such as structural, functional, and spatial information, amino acid conservation, physicochemical variation, residue mobility, and thermodynamic stability) indicates that this missense variant is expected to disrupt COL9A3 protein function with a positive predictive value of 95%. In summary, the available evidence is currently insufficient to determine the role of this variant in disease. Therefore, it has been classified as a Variant of Uncertain Significance.